The following is an entry in ClinVar:

NM_000517.6(HBA2):c.117_118insT (p.Thr40fs)

Genes: HBA2 (hemoglobin subunit alpha 2; plus strand), LOC106804612 (hemoglobin subunit alpha 2 recombination region; plus strand). Cytogenetic location: 16p13.3.
Variant type: Insertion.
Coding change: c.117_118insT on transcript NM_000517.6 (MANE Select); coding-DNA positions 117 to 118, T inserted.
Protein change: p.Thr40fs; shifts the reading frame from threonine 40.
Molecular consequence: frameshift variant.
Genome position: GRCh38 VCF-style: chr16-173146-C-CT. GRCh37 (hg19) VCF-style: chr16-223145-C-CT.
Other names: short protein forms T40fs.
Identifiers: ClinVar variation 4818615 (VCV004818615.1).

ClinVar aggregate classification (germline): Likely pathogenic (1 of 4 stars; one submission).

Conditions:
alpha Thalassemia. Also called: Alpha thalassemia spectrum. Identifiers: Orphanet 846, MedGen C0002312, MONDO:0011399, OMIM 604131.

Submission:

Natera, Inc.
Classification: Likely pathogenic for Alpha thalassemia. Last evaluated: 2025-07-23. Review status: criteria provided, single submitter. Criteria: Natera Variant Classification Schema (03/2026). Collection method: clinical testing. Allele origin: germline.
Comment: The c.117_118insT variant in HBA2 is a frameshift variant predicted to shift the reading frame beginning at codon 40 and leads to a stop codon 18 codons downstream. This variant is expected to result in nonsense mediated decay, truncation, or a dysfunctional protein product. This variant is rare in the general population with a frequency below the threshold expected for the associated phenotype(s). Given the available evidence, this variant is classified as Likely Pathogenic.